The following is an entry in ClinVar:

NM_001430.5(EPAS1):c.2533G>A (p.Glu845Lys)

Gene: EPAS1 (endothelial PAS domain protein 1; plus strand). Cytogenetic location: 2p21.
Variant type: single nucleotide variant.
Coding change: c.2533G>A on transcript NM_001430.5 (MANE Select); coding-DNA position 2533, G replaced by A.
Protein change: p.Glu845Lys; replaces glutamic acid 845 with lysine.
Molecular consequence: missense variant.
Genome position (GRCh38, 1-based): chr2:46,384,580, G>A. VCF-style: chr2-46384580-G-A. GRCh37 (hg19) VCF-style: chr2-46611719-G-A.
Other names: short protein forms E845K.
Identifiers: ClinVar variation 3508934 (VCV003508934.1).

ClinVar aggregate classification (germline): Uncertain significance (1 of 4 stars; one submission).

Conditions:
Inborn genetic diseases. Identifiers: MedGen C0950123, MeSH D030342.

Submission:

Ambry Genetics
Classification: Uncertain significance for Inborn genetic diseases. Last evaluated: 2024-07-02. Review status: criteria provided, single submitter. Criteria: Ambry Variant Classification Scheme 2023. Collection method: clinical testing. Allele origin: germline.
Comment: The p.E845K variant (also known as c.2533G>A), located in coding exon 16 of the EPAS1 gene, results from a G to A substitution at nucleotide position 2533. The glutamic acid at codon 845 is replaced by lysine, an amino acid with similar properties. This amino acid position is conserved. In addition, this alteration is predicted to be deleterious by in silico analysis. Based on the available evidence, the clinical significance of this variant remains unclear.